The following is an entry in ClinVar:

ClinVar aggregate classification (germline): Conflicting classifications of pathogenicity. Review status: criteria provided, conflicting classifications (1 of 4 stars). 7 submissions from 7 submitters: Pathogenic (1); Likely pathogenic (1); Uncertain significance (4). 1 of the submissions does not count toward it. Last evaluated 2025-02-15.

Conditions:
Inborn genetic diseases. Identifiers: MedGen C0950123, MeSH D030342.
Spastic paraplegia. Identifiers: MedGen C0037772, HP:0001258.
Hereditary spastic paraplegia 47. Also called: CEREBRAL PALSY, SPASTIC QUADRIPLEGIC, 5; adaptor protein 4 (AP-4) deficiency syndrome; Spastic paraplegia 47, autosomal recessive. Identifiers: Orphanet 280763, MedGen C3279738, MONDO:0013551, OMIM 614066.

Allele frequency attached by ClinVar (database versions not stated): ExAC 0.00003; ESP Exome Variant Server 0.00008; gnomAD exomes 0.00008 and 0.00013; gnomAD 0.00009; TOPMed 0.00008.
gnomAD v4.1: 200 of 1,614,022 alleles (0.012%); highest among the groups gnomAD compares: Non-Finnish European, 0.016%; no homozygotes.

Submissions (7):

Labcorp Genetics (formerly Invitae), Labcorp
Classification: Likely pathogenic for Hereditary spastic paraplegia 47. Last evaluated: 2025-02-15. Review status: criteria provided, single submitter. Criteria: Invitae Variant Classification Sherloc (09022015). Collection method: clinical testing. Allele origin: germline.
Comment: This sequence change replaces valine, which is neutral and non-polar, with isoleucine, which is neutral and non-polar, at codon 193 of the AP4B1 protein (p.Val193Ile). This variant is present in population databases (rs376478015, gnomAD 0.01%). This missense change has been observed in individual(s) with hereditary spastic paraplegia (PMID: 25693842, 32979048). In at least one individual the data is consistent with being in trans (on the opposite chromosome) from a pathogenic variant. ClinVar contains an entry for this variant (Variation ID: 157724). Invitae Evidence Modeling of protein sequence and biophysical properties (such as structural, functional, and spatial information, amino acid conservation, physicochemical variation, residue mobility, and thermodynamic stability) indicates that this missense variant is not expected to disrupt AP4B1 protein function with a negative predictive value of 80%. In summary, the currently available evidence indicates that the variant is pathogenic, but additional data are needed to prove that conclusively. Therefore, this variant has been classified as Likely Pathogenic.

Neurometabolic Diseases Laboratory, Bellvitge Biomedical Research Institute (IDIBELL)
Classification: Pathogenic for Hereditary spastic paraplegia 47. Last evaluated: 2023-04-27. Review status: criteria provided, single submitter. Criteria: ACMG Guidelines, 2015. Collection method: research. Allele origin: germline. Affected: yes.

Genome-Nilou Lab
Classification: Uncertain significance for Hereditary spastic paraplegia 47. Last evaluated: 2023-04-11. Review status: criteria provided, single submitter. Criteria: ACMG Guidelines, 2015. Collection method: clinical testing. Allele origin: germline. Affected: no.

Ambry Genetics
Classification: Uncertain significance for Inborn genetic diseases. Last evaluated: 2021-09-27. Review status: criteria provided, single submitter. Criteria: Ambry Variant Classification Scheme 2023. Collection method: clinical testing. Allele origin: germline.

GeneDx
Classification: Uncertain significance. Last evaluated: 2021-06-01. Review status: criteria provided, single submitter. Criteria: GeneDx Variant Classification Process June 2021. Collection method: clinical testing. Allele origin: germline. Affected: yes.
Comment: Reported in a patient with intellectual disability who also harbored a second AP4B1 variant, although the analysis did not determine if the variants were on the same (in cis) or opposite (in trans) chromosomes (Lamichhane et al., 2013); Not observed at a significant frequency in large population cohorts (Lek et al., 2016); In silico analysis supports that this missense variant does not alter protein structure/function; This variant is associated with the following publications: (PMID: 29193663, 32285480, 25552650, 25693842, 27625858, 27535533, 32979048, 29430868)

Genetic Services Laboratory, University of Chicago
Classification: Uncertain significance for Spastic paraplegia 47, autosomal recessive. Last evaluated: 2013-08-08. Review status: criteria provided, single submitter. Criteria: ACMG Guidelines, 2007. Collection method: clinical testing. Allele origin: germline. Inheritance: Autosomal recessive inheritance.

Yale Center for Mendelian Genomics, Yale University
Classification: Likely pathogenic for Spastic paraplegia. Last evaluated: 2020-10-01. Review status: no assertion criteria provided. Collection method: literature only. Allele origin: germline. Affected: yes. Observed: 3 compound heterozygotes. Study: Yale Center for Mendelian Genomics. Not counted in ClinVar's aggregate classification.

Literature cited by the submitters: PubMed 25693842 (cited by Labcorp Genetics (formerly Invitae), Labcorp and Ambry Genetics); PubMed 32979048 (cited by 3 submitters); PubMed 27625858 (cited by Ambry Genetics).

NM_001253852.3(AP4B1):c.577G>A (p.Val193Ile)

Gene: AP4B1 (adaptor related protein complex 4 subunit beta 1; minus strand). Cytogenetic location: 1p13.2.
Variant type: single nucleotide variant.
Coding change: c.577G>A on transcript NM_001253852.3 (MANE Select); coding-DNA position 577, G replaced by A.
Protein change: p.Val193Ile; replaces valine 193 with isoleucine.
Molecular consequence: missense variant. On other transcripts: intron variant (1).
Genome position (GRCh38, 1-based): chr1:113,901,276, C>T on the plus strand (G>A on the coding strand, the complement: AP4B1 is on the minus strand). VCF-style: chr1-113901276-C-T. GRCh37 (hg19) VCF-style: chr1-114443898-C-T.
Other names: c.280G>A, p.Val94Ile (NM_001253853.3); c.577G>A, p.Val193Ile (NM_006594.5); c.114-876G>A (NM_001308312.2); short protein forms V193I, V94I.
Identifiers: ClinVar variation 157724 (VCV000157724.40), dbSNP rs376478015, ClinGen allele CA345963.